The following is an entry in ClinVar:

NM_014806.5(RUSC2):c.3940G>C (p.Ala1314Pro)

Gene: RUSC2 (RUN and SH3 domain containing 2; plus strand). Cytogenetic location: 9p13.3.
Variant type: single nucleotide variant.
Coding change: c.3940G>C on transcript NM_014806.5 (MANE Select); coding-DNA position 3940, G replaced by C.
Protein change: p.Ala1314Pro; replaces alanine 1314 with proline.
Molecular consequence: missense variant. On other transcripts: non-coding transcript variant (1).
Genome position (GRCh38, 1-based): chr9:35,560,580, G>C. VCF-style: chr9-35560580-G-C. GRCh37 (hg19) VCF-style: chr9-35560577-G-C.
Other names: c.3940G>C, p.Ala1314Pro (NM_001135999.2); c.1306G>C, p.Ala436Pro (NM_001330740.2); short protein forms A436P, A1314P.
Identifiers: ClinVar variation 1486563 (VCV001486563.3), dbSNP rs935451063, ClinGen allele CA192760268.

ClinVar aggregate classification (germline): Uncertain significance (1 of 4 stars; one submission).

Submission:

Labcorp Genetics (formerly Invitae), Labcorp
Classification: Uncertain significance. Last evaluated: 2022-06-22. Review status: criteria provided, single submitter. Criteria: Invitae Variant Classification Sherloc (09022015). Collection method: clinical testing. Allele origin: germline.
Comment: This sequence change replaces alanine, which is neutral and non-polar, with proline, which is neutral and non-polar, at codon 1314 of the RUSC2 protein (p.Ala1314Pro). This variant is not present in population databases (gnomAD no frequency). This variant has not been reported in the literature in individuals affected with RUSC2-related conditions. Algorithms developed to predict the effect of missense changes on protein structure and function (SIFT, PolyPhen-2, Align-GVGD) all suggest that this variant is likely to be tolerated. In summary, the available evidence is currently insufficient to determine the role of this variant in disease. Therefore, it has been classified as a Variant of Uncertain Significance.